The following is an entry in ClinVar:

NM_001367624.2(ZNF469):c.5779C>G (p.Pro1927Ala)

Gene: ZNF469 (zinc finger protein 469; plus strand). Cytogenetic location: 16q24.2.
Variant type: single nucleotide variant.
Coding change: c.5779C>G on transcript NM_001367624.2 (MANE Select); coding-DNA position 5779, C replaced by G.
Protein change: p.Pro1927Ala; replaces proline 1927 with alanine.
Molecular consequence: missense variant.
Genome position (GRCh38, 1-based): chr16:88,433,249, C>G. VCF-style: chr16-88433249-C-G. GRCh37 (hg19) VCF-style: chr16-88499657-C-G.
Other names: NM_001127464.1:c.5695C>G; short protein forms P1927A.
Identifiers: ClinVar variation 1749106 (VCV001749106.3), dbSNP rs537085488, ClinGen allele CA397102348.

ClinVar aggregate classification (germline): Uncertain significance (1 of 4 stars; one submission).

Conditions:
Cardiovascular phenotype. Identifiers: MedGen CN230736.

gnomAD v4.1: 4 of 1,550,114 alleles (0.00026%); highest among the groups gnomAD compares: African/African-American, 0.0014%; no homozygotes.

Submission:

Ambry Genetics
Classification: Uncertain significance for Cardiovascular phenotype. Last evaluated: 2025-05-10. Review status: criteria provided, single submitter. Criteria: Ambry Variant Classification Scheme 2023. Collection method: clinical testing. Allele origin: germline.
Comment: The p.P1899A variant (also known as c.5695C>G), located in coding exon 2 of the ZNF469 gene, results from a C to G substitution at nucleotide position 5695. The proline at codon 1899 is replaced by alanine, an amino acid with highly similar properties. This amino acid position is conserved. In addition, this alteration is predicted to be tolerated by in silico analysis. Since supporting evidence is limited at this time, the clinical significance of this alteration remains unclear.